The following is an entry in ClinVar:

ClinVar aggregate classification (germline): Uncertain significance (1 of 4 stars; one submission).

Conditions:
Inborn genetic diseases. Identifiers: MedGen C0950123, MeSH D030342.

Submission:

Ambry Genetics
Classification: Uncertain significance for Inborn genetic diseases. Last evaluated: 2023-08-08. Review status: criteria provided, single submitter. Criteria: Ambry Variant Classification Scheme 2023. Collection method: clinical testing. Allele origin: germline.
Comment: The c.4039_4040delGCinsTT (p.A1347F) alteration, located in exon 14 (coding exon 14) of the CDK13 gene, consists of an in-frame substitution of 2 nucleotides from position 4039 to 4040, resulting in the insertion of <NA> residues. Based on insufficient or conflicting evidence, the clinical significance of this alteration remains unclear.

NM_003718.5(CDK13):c.4039_4040delinsTT (p.Ala1347Phe)

Gene: CDK13 (cyclin dependent kinase 13; plus strand). Cytogenetic location: 7p14.1.
Variant type: Indel.
Coding change: c.4039_4040delinsTT on transcript NM_003718.5 (MANE Select); coding-DNA positions 4039 to 4040, GC replaced by TT.
Protein change: p.Ala1347Phe; replaces alanine 1347 with phenylalanine.
Molecular consequence: missense variant.
Genome position (GRCh38, 1-based): chr7:40,094,480-40,094,481, GC replaced by TT. VCF-style: chr7-40094480-GC-TT. GRCh37 (hg19) VCF-style: chr7-40134079-GC-TT.
Other names: c.3859_3860delGCinsTT, p.Ala1287Phe (NM_031267.4); short protein forms A1287F, A1347F.
Identifiers: ClinVar variation 2616684 (VCV002616684.2), dbSNP rs2484073982, ClinGen allele CA2582341726.